The following is an entry in ClinVar:

ClinVar aggregate classification (germline): Uncertain significance (1 of 4 stars; one submission).

Conditions:
Ehlers-Danlos syndrome, dermatosparaxis type. Also called: Dermatosparaxis; Ehlers-Danlos syndrome, type VII, autosomal recessive; EDS VIIC. Identifiers: Orphanet 1901, MedGen C2700425, MONDO:0009161, OMIM 225410.

Allele frequency attached by ClinVar (database versions not stated): ExAC 0.00001; gnomAD exomes 0.00001.
gnomAD v4.1: 8 of 1,606,228 alleles (0.0005%); highest among the groups gnomAD compares: South Asian, 0.0077%; no homozygotes.

Submission:

Labcorp Genetics (formerly Invitae), Labcorp
Classification: Uncertain significance for Ehlers-Danlos syndrome, dermatosparaxis type. Last evaluated: 2019-02-19. Review status: criteria provided, single submitter. Criteria: Invitae Variant Classification Sherloc (09022015). Collection method: clinical testing. Allele origin: germline.
Comment: Algorithms developed to predict the effect of missense changes on protein structure and function are either unavailable or do not agree on the potential impact of this missense change (SIFT: "Tolerated"; PolyPhen-2: "Probably Damaging"; Align-GVGD: "Class C0"). In summary, the available evidence is currently insufficient to determine the role of this variant in disease. Therefore, it has been classified as a Variant of Uncertain Significance. This variant has not been reported in the literature in individuals with ADAMTS2-related conditions. This variant is present in population databases (rs760325496, ExAC 0.006%). This sequence change replaces glycine with glutamic acid at codon 283 of the ADAMTS2 protein (p.Gly283Glu). The glycine residue is highly conserved and there is a moderate physicochemical difference between glycine and glutamic acid.

NM_014244.5(ADAMTS2):c.848G>A (p.Gly283Glu)

Gene: ADAMTS2 (ADAM metallopeptidase with thrombospondin type 1 motif 2; minus strand). Cytogenetic location: 5q35.3.
Variant type: single nucleotide variant.
Coding change: c.848G>A on transcript NM_014244.5 (MANE Select); coding-DNA position 848, G replaced by A.
Protein change: p.Gly283Glu; replaces glycine 283 with glutamic acid.
Molecular consequence: missense variant.
Genome position (GRCh38, 1-based): chr5:179,207,556, C>T on the plus strand (G>A on the coding strand, the complement: ADAMTS2 is on the minus strand). VCF-style: chr5-179207556-C-T. GRCh37 (hg19) VCF-style: chr5-178634557-C-T.
Other names: c.848G>A, p.Gly283Glu (NM_021599.4); short protein forms G283E.
Identifiers: ClinVar variation 837701 (VCV000837701.10), dbSNP rs760325496, ClinGen allele CA3596145.